The following is an entry in ClinVar:

NM_014915.3(ANKRD26):c.3997A>G (p.Lys1333Glu)

Gene: ANKRD26 (ankyrin repeat domain containing 26; minus strand). Cytogenetic location: 10p12.1.
Variant type: single nucleotide variant.
Coding change: c.3997A>G on transcript NM_014915.3 (MANE Select); coding-DNA position 3997, A replaced by G.
Protein change: p.Lys1333Glu; replaces lysine 1333 with glutamic acid.
Molecular consequence: missense variant.
Genome position (GRCh38, 1-based): chr10:27,024,535, T>C on the plus strand (A>G on the coding strand, the complement: ANKRD26 is on the minus strand). VCF-style: chr10-27024535-T-C. GRCh37 (hg19) VCF-style: chr10-27313464-T-C.
Other names: c.3994A>G, p.Lys1332Glu (NM_001256053.2); short protein forms K1332E, K1333E.
Identifiers: ClinVar variation 3869737 (VCV003869737.1).
Genomic context (GRCh38, chr10:27,024,535, plus strand): 5'-TTTTCTTCATTTCTTGATCCAAATTACATTCCAGTGACTGTTTTAATTCCATAAGTTTCT[T>C]TAATTGTTCCTTTTCATCTTCAGACTTTGAAACAAAATATTTTCAATTACTTTTAAAACT-3'
Protein context (NP_055730.2, residues 1323-1343): NLSEDEKEQL[Lys1333Glu]KLMELKQSLE

ClinVar aggregate classification (germline): Uncertain significance (1 of 4 stars; one submission).

Conditions:
Inborn genetic diseases. Identifiers: MedGen C0950123, MeSH D030342.

gnomAD v4.1: 1 of 1,577,864 alleles (0.000063%); highest among the groups gnomAD compares: Non-Finnish European, 0.000087%; no homozygotes.

Submission:

Ambry Genetics
Classification: Uncertain significance for Inborn genetic diseases. Last evaluated: 2024-12-27. Review status: criteria provided, single submitter. Criteria: Ambry Variant Classification Scheme 2023. Collection method: clinical testing. Allele origin: germline.
Comment: The p.K1333E variant (also known as c.3997A>G), located in coding exon 28 of the ANKRD26 gene, results from an A to G substitution at nucleotide position 3997. The lysine at codon 1333 is replaced by glutamic acid, an amino acid with similar properties. This amino acid position is conserved. In addition, this alteration is predicted to be tolerated by in silico analysis. Based on the available evidence, the clinical significance of this variant remains unclear.